The following is an entry in ClinVar:

ClinVar aggregate classification (germline): Likely pathogenic (0 of 4 stars; one submission).

Conditions:
Polycystic kidney disease. Also called: Kidney, Polycystic; Polycystic kidney dysplasia. Identifiers: MedGen C0022680, MeSH D007690, MONDO:0020642, HP:0000113.

Submission:

Department of Pathology and Laboratory Medicine, Sinai Health System
Classification: Likely pathogenic for Polycystic Kidney disease. Review status: no assertion criteria provided. Collection method: clinical testing. Allele origin: unknown. Affected: yes. Study: The Canadian Open Genetics Repository (COGR).
Comment: The PKHD1 p.Asn387del variant was identified in 1 of 308 proband chromosomes (frequency: 0.003) from unrelated individuals or families with ARPKD and was not identified in 520 control chromosomes from healthy individuals (Furu 2004, Sharp 2005). The variant was identified in RWTH AAachen University ARPKD database (classification pathogenic) and PKHD1-LOVD (unclassified); and was not identified in dbSNP, Clinvitae database, the ClinVar database, GeneInsight COGR database, 1000 Genomes Project, NHLBI GO Exome Sequencing Project, the Exome Aggregation Consortium database (March 14, 2016). This variant is an in-frame deletion resulting in the removal of amino acid residue asparagine at codon 387. In summary, based on the above information, the clinical significance of this variant cannot be determined with certainty at this time although we would lean towards a more pathogenic role for this variant. This variant is classified as likely pathogenic.

NM_138694.4(PKHD1):c.1156AAT[1] (p.Asn387del)

Gene: PKHD1 (PKHD1 ciliary IPT domain containing fibrocystin/polyductin; minus strand). Cytogenetic location: 6p12.2.
Variant type: Microsatellite.
Coding change: c.1156AAT[1] on transcript NM_138694.4 (MANE Select); one copy of the 3-base unit AAT starting at c.1156; the reference has two copies in a row; one copy, 3 bases deleted.
Protein change: p.Asn387del; deletes asparagine 387.
Molecular consequence: inframe deletion.
Genome position (GRCh38, 1-based): chr6:52,060,000-52,060,002, ATT deleted on the plus strand (AAT on the coding strand, the reverse complement: PKHD1 is on the minus strand); deleting any 3 consecutive bases within chr6:52,060,000-52,060,005 gives the same sequence; the position shown is the placement nearest the transcript's 3' end. VCF-style (leftmost placement, unchanged base first): chr6-52059999-AATT-A. GRCh37 (hg19) VCF-style: chr6-51924797-AATT-A.
Other names: c.1156AAT[1], p.Asn387del (NM_170724.3); short protein forms N387del.
Identifiers: ClinVar variation 434015 (VCV000434015.3), dbSNP rs1554218506, ClinGen allele CA645372430.